The following is an entry in ClinVar:

NM_007272.3(CTRC):c.132G>A (p.Gln44=)

Gene: CTRC (chymotrypsin C; plus strand). Cytogenetic location: 1p36.21.
Variant type: single nucleotide variant.
Coding change: c.132G>A on transcript NM_007272.3 (MANE Select); coding-DNA position 132, G replaced by A.
Protein change: p.Gln44=; no amino-acid change (glutamine 44 retained).
Molecular consequence: synonymous variant.
Genome position (GRCh38, 1-based): chr1:15,440,391, G>A. VCF-style: chr1-15440391-G-A. GRCh37 (hg19) VCF-style: chr1-15766887-G-A.
Other names: c.132G>A (NM_007272.2).
Identifiers: ClinVar variation 2921107 (VCV002921107.2), dbSNP rs901779500, ClinGen allele CA18250429.

ClinVar aggregate classification (germline): Conflicting classifications of pathogenicity. Review status: criteria provided, conflicting classifications (1 of 4 stars). 2 submissions from 2 submitters: Likely pathogenic (1); Uncertain significance (1). Last evaluated 2024-02-12.

Conditions:
Hereditary pancreatitis (PCTT). Also called: Hereditary chronic pancreatitis; PRSS1-Related Hereditary Pancreatitis. Identifiers: Orphanet 676, MedGen C0238339, MONDO:0008185, OMIM 167800.

Allele frequency attached by ClinVar (database versions not stated): TOPMed below 0.00001.

Submissions (2):

Ambry Genetics
Classification: Uncertain significance for Hereditary pancreatitis. Last evaluated: 2024-02-12. Review status: criteria provided, single submitter. Criteria: Ambry Variant Classification Scheme 2023. Collection method: clinical testing. Allele origin: germline.
Comment: The c.132G>A variant (also known as p.Q44Q), located in coding exon 2 of the CTRC gene, results from a G to A substitution at nucleotide position 132. This nucleotide substitution does not change the glutamine at codon 44. However, this change occurs in the last base pair of coding exon 2, which makes it likely to have some effect on normal mRNA splicing. This variant demonstrated reduced levels of the correctly spliced mRNA and the accumulation of the unspliced species in a minigene analysis in HEK293T cells (Beer S et al. Gut, 2014 May;63:860-1). This nucleotide position is highly conserved in available vertebrate species. In silico splice site analysis for this alteration is inconclusive. Based on the available evidence, the clinical significance of this alteration remains unclear.

ARUP Laboratories, Molecular Genetics and Genomics, ARUP Laboratories
Classification: Likely pathogenic for Hereditary pancreatitis. Last evaluated: 2023-10-04. Review status: criteria provided, single submitter. Criteria: ARUP Molecular Germline Variant Investigation Process 2024. Collection method: clinical testing. Allele origin: germline.
Comment: The CTRC c.132G>A; p.Gln44= variant (rs901779500) is reported in the literature in an individual affected with chronic pancreatitis (Beer 2014, Rosendahl 2013). This variant is absent from the Genome Aggregation Database, indicating it is not a common polymorphism. This is a synonymous variant in a highly conserved nucleotide, and computational analyses (Alamut Visual Plus v.1.5.1) predict that this variant may impact splicing by weakening the nearby canonical donor splice site, and a mini-gene assay confirmed this variant results in aberrant splicing (Beer 2014). Based on available information, this variant is considered to be likely pathogenic. References: Beer S et al. Exonic variants affecting pre-mRNA splicing add to genetic burden in chronic pancreatitis. Gut. 2014 May;63(5):860-1. PMID: 24052272. Rosendahl J et al. CFTR, SPINK1, CTRC and PRSS1 variants in chronic pancreatitis: is the role of mutated CFTR overestimated? Gut. 2013 Apr;62(4):582-92. PMID: 22427236.

Literature cited by the submitters: PubMed 22427236 (cited by Ambry Genetics); PubMed 24052272 (cited by Ambry Genetics).